The following is an entry in ClinVar:

ClinVar aggregate classification (germline): Uncertain significance. Review status: criteria provided, multiple submitters, no conflicts (2 of 4 stars). 2 submissions from 2 submitters: Uncertain significance (2). Last evaluated 2025-09-27.

Conditions:
Familial thoracic aortic aneurysm and aortic dissection (TAAD). Also called: Thoracic aortic aneurysms and dissections. Identifiers: Orphanet 91387, MedGen C4707243, MONDO:0019625.

Submissions (2):

Ambry Genetics
Classification: Uncertain significance for Familial thoracic aortic aneurysm and aortic dissection. Last evaluated: 2025-09-27. Review status: criteria provided, single submitter. Criteria: Ambry Variant Classification Scheme 2023. Collection method: clinical testing. Allele origin: germline.

GeneDx
Classification: Uncertain significance. Last evaluated: 2024-06-03. Review status: criteria provided, single submitter. Criteria: GeneDx Variant Classification Process June 2021. Collection method: clinical testing. Allele origin: germline. Affected: yes.
Comment: Not observed at significant frequency in large population cohorts (gnomAD); In silico analysis indicates that this missense variant does not alter protein structure/function; Has not been previously published as pathogenic or benign to our knowledge

NM_053025.4(MYLK):c.5093A>C (p.Asn1698Thr)

Genes: MYLK-AS1 (MYLK antisense RNA 1; plus strand), MYLK (myosin light chain kinase; minus strand), LOC126806791 (MED14-independent group 3 enhancer GRCh37_chr3:123347871-123349070; plus strand). Cytogenetic location: 3q21.1.
Variant type: single nucleotide variant.
Coding change: c.5093A>C on transcript NM_053025.4 (MANE Select); coding-DNA position 5093, A replaced by C.
Protein change: p.Asn1698Thr; replaces asparagine 1698 with threonine.
Molecular consequence: missense variant. On other transcripts: non-coding transcript variant (2), intron variant (2).
Genome position (GRCh38, 1-based): chr3:123,629,495, T>G on the plus strand (A>C on the coding strand, the complement: MYLK is on the minus strand). VCF-style: chr3-123629495-T-G. GRCh37 (hg19) VCF-style: chr3-123348342-T-G.
Other names: c.4565A>C, p.Asn1522Thr (NM_001321309.2); c.4886A>C, p.Asn1629Thr (NM_053026.4); c.4755-2554A>C (NM_053028.4); c.4962-2554A>C (NM_053027.4); short protein forms N1522T, N1629T, N1698T.
Identifiers: ClinVar variation 3384605 (VCV003384605.2).